The following is an entry in ClinVar:

ClinVar aggregate classification (germline): Uncertain significance. Review status: criteria provided, multiple submitters, no conflicts (2 of 4 stars). 2 submissions from 2 submitters: Uncertain significance (2). Last evaluated 2025-08-23.

Conditions:
Congenital myopathy with internal nuclei and atypical cores. Also called: Myopathy, centronuclear, 4. Identifiers: Orphanet 319160, MedGen C4707232, MONDO:0013890, OMIM 614807.
Inborn genetic diseases. Identifiers: MedGen C0950123, MeSH D030342.

gnomAD v4.1: 4 of 1,610,520 alleles (0.00025%); highest among the groups gnomAD compares: Admixed American, 0.005%; no homozygotes.

Submissions (2):

Ambry Genetics
Classification: Uncertain significance for Inborn genetic diseases. Last evaluated: 2025-08-23. Review status: criteria provided, single submitter. Criteria: Ambry Variant Classification Scheme 2023. Collection method: clinical testing. Allele origin: germline.

Labcorp Genetics (formerly Invitae), Labcorp
Classification: Uncertain significance for Congenital myopathy with internal nuclei and atypical cores. Last evaluated: 2025-02-13. Review status: criteria provided, single submitter. Criteria: Invitae Variant Classification Sherloc (09022015). Collection method: clinical testing. Allele origin: germline.
Comment: This sequence change replaces leucine, which is neutral and non-polar, with valine, which is neutral and non-polar, at codon 65 of the CCDC78 protein (p.Leu65Val). This variant is present in population databases (no rsID available, gnomAD 0.006%). This variant has not been reported in the literature in individuals affected with CCDC78-related conditions. Invitae Evidence Modeling of protein sequence and biophysical properties (such as structural, functional, and spatial information, amino acid conservation, physicochemical variation, residue mobility, and thermodynamic stability) has been performed for this missense variant. However, the output from this modeling did not meet the statistical confidence thresholds required to predict the impact of this variant on CCDC78 protein function. In summary, the available evidence is currently insufficient to determine the role of this variant in disease. Therefore, it has been classified as a Variant of Uncertain Significance.

NM_001378030.1(CCDC78):c.193C>G (p.Leu65Val)

Gene: CCDC78 (coiled-coil domain containing 78; minus strand). Cytogenetic location: 16p13.3.
Variant type: single nucleotide variant.
Coding change: c.193C>G on transcript NM_001378030.1 (MANE Select); coding-DNA position 193, C replaced by G.
Protein change: p.Leu65Val; replaces leucine 65 with valine.
Molecular consequence: missense variant. On other transcripts: 5 prime UTR variant (1), non-coding transcript variant (5).
Genome position (GRCh38, 1-based): chr16:725,868, G>C on the plus strand (C>G on the coding strand, the complement: CCDC78 is on the minus strand). VCF-style: chr16-725868-G-C. GRCh37 (hg19) VCF-style: chr16-775868-G-C.
Other names: c.193C>G, p.Leu65Val (NM_001031737.3, NM_001378031.1); c.-93C>G (NM_001378033.1); short protein forms L65V.
Identifiers: ClinVar variation 4221548 (VCV004221548.2).